The following is an entry in ClinVar:

NM_000179.3(MSH6):c.1531A>C (p.Arg511=)

Gene: MSH6 (mutS homolog 6; plus strand). Cytogenetic location: 2p16.3.
Variant type: single nucleotide variant.
Coding change: c.1531A>C on transcript NM_000179.3 (MANE Select); coding-DNA position 1531, A replaced by C.
Protein change: p.Arg511=; no amino-acid change (arginine 511 retained).
Molecular consequence: synonymous variant. On other transcripts: non-coding transcript variant (4), intron variant (1).
Genome position (GRCh38, 1-based): chr2:47,799,514, A>C. VCF-style: chr2-47799514-A-C. GRCh37 (hg19) VCF-style: chr2-48026653-A-C.
Other names: c.1141A>C, p.Arg381= (NM_001281492.2); c.625A>C, p.Arg209= (NM_001281493.2, NM_001281494.2, NM_001406811.1 and 6 more transcripts); c.1627A>C, p.Arg543= (NM_001406795.1, NM_001406802.1); c.1531A>C, p.Arg511= (NM_001406796.1, NM_001406798.1, NM_001406800.1 and 4 more transcripts); c.1234A>C, p.Arg412= (NM_001406797.1, NM_001406801.1, NM_001406805.1 and 10 more transcripts); c.1006A>C, p.Arg336= (NM_001406799.1, NM_001406806.1, NM_001406807.1); c.1453A>C, p.Arg485= (NM_001406804.1); c.1537A>C, p.Arg513= (NM_001406813.1); and 2 more.
Identifiers: ClinVar variation 3904244 (VCV003904244.1).

ClinVar aggregate classification (germline): Benign (1 of 4 stars; one submission).

Conditions:
Lynch syndrome 5 (LYNCH5). Also called: Colorectal cancer, hereditary nonpolyposis, type 5; Hereditary non-polyposis colorectal cancer, type 5. Identifiers: Orphanet 144, MedGen C1833477, MONDO:0013710, OMIM 614350. Disease mechanism: loss of function.

Submission:

Myriad Genetics, Inc.
Classification: Benign for Lynch syndrome 5. Last evaluated: 2024-12-26. Review status: criteria provided, single submitter. Criteria: Myriad Autosomal Dominant, Autosomal Recessive and X-Linked Classification Criteria (2023). Collection method: clinical testing. Allele origin: unknown.
Comment: This variant is considered benign. This variant is a silent/synonymous amino acid change and it is not expected to impact splicing.